The following is an entry in ClinVar:

ClinVar aggregate classification (germline): Pathogenic. Review status: criteria provided, multiple submitters, no conflicts (2 of 4 stars). 5 submissions from 5 submitters: Pathogenic (2). 3 of the submissions do not count toward it. Last evaluated 2022-08-29.

Conditions:
Charcot-Marie-Tooth disease. Also called: Charcot-Marie-Tooth Hereditary Neuropathy; Charcot-Marie-Tooth Neuropathy. Identifiers: Orphanet 166, MedGen C0007959, MONDO:0015626.
Agenesis of the corpus callosum with peripheral neuropathy (ACCPN). Also called: POLYNEUROPATHY, SENSORIMOTOR, WITH OR WITHOUT AGENESIS OF THE CORPUS CALLOSUM; HMSN/ACC; CHARLEVOIX DISEASE; Hereditary Motor and Sensory Neuropathy with Agenesis of the Corpus Callosum. Identifiers: Orphanet 1496, MedGen C0795950, MONDO:0000902, OMIM 218000. Disease mechanism: loss of function.

Allele frequency attached by ClinVar (database versions not stated): gnomAD exomes below 0.00001 and 0.00001; TOPMed below 0.00001; ExAC 0.00001; gnomAD 0.00003.
gnomAD v4.1: 3 of 1,606,440 alleles (0.00019%); highest among the groups gnomAD compares: Admixed American, 0.0017%; no homozygotes.

Submissions (5):

Women's Health and Genetics/Laboratory Corporation of America, LabCorp
Classification: Pathogenic for Agenesis of the corpus callosum with peripheral neuropathy. Last evaluated: 2022-08-29. Review status: criteria provided, single submitter. Criteria: LabCorp Variant Classification Summary - May 2015. Collection method: clinical testing. Allele origin: germline.
Comment: Variant summary: SLC12A6 c.3400C>T (p.Arg1134X), located in the last exon (exon 25) results in a premature termination codon predicted to cause a truncation of the last 17 amino acid residues at the C-terminal end of the encoded protein. The variant allele was found at a frequency of 8e-06 in 250814 control chromosomes. c.3400C>T has been reported in the literature as a homozygous genotype in two individuals from one family affected with features of Hereditary motor and sensory neuropathy with agenesis of the corpus callosum (Andermann Syndrome) (example, Salin-Cantegrel_2011). These data indicate that the variant is likely to be associated with disease. At least one publication reports experimental evidence evaluating an impact on protein function demonstrating a loss of interaction with CK-B, the braintype creatine kinase (CK-B), which is an ATP-generating protein and a potent activator of SLC12A6 (KCC3) via a direct interaction with the carboxyl-terminal domain of the co-transporter (Salin-Cantegrel_2011). One clinical diagnostic laboratory has submitted clinical-significance assessments for this variant to ClinVar after 2014 and classified the variant as likely pathogenic. Based on the evidence outlined above, the variant was classified as pathogenic.

Baylor Genetics
Classification: Pathogenic for Agenesis of the corpus callosum with peripheral neuropathy. Last evaluated: 2022-07-22. Review status: criteria provided, single submitter. Criteria: ACMG Guidelines, 2015. Collection method: clinical testing. Allele origin: unknown.

Counsyl
Classification: Likely pathogenic for Agenesis of the corpus callosum with peripheral neuropathy. Last evaluated: 2017-05-31. Review status: no assertion criteria provided. Collection method: clinical testing. Allele origin: unknown. Not counted in ClinVar's aggregate classification.

OMIM
Classification: Pathogenic for AGENESIS OF THE CORPUS CALLOSUM WITH PERIPHERAL NEUROPATHY. Last evaluated: 2011-08-12. Review status: no assertion criteria provided. Collection method: literature only. Allele origin: germline. Not counted in ClinVar's aggregate classification.

Inherited Neuropathy Consortium
Classification: Uncertain significance for Charcot-Marie-Tooth disease. Review status: no assertion criteria provided. Collection method: literature only. Allele origin: germline. Affected: yes. Not counted in ClinVar's aggregate classification.

Literature cited by the submitters: PubMed 30038111 (cited by Women's Health and Genetics/Laboratory Corporation of America, LabCorp); PubMed 23593405 (cited by Women's Health and Genetics/Laboratory Corporation of America, LabCorp); PubMed 21628467 (cited by 4 submitters).

NM_001365088.1(SLC12A6):c.3400C>T (p.Arg1134Ter)

Gene: SLC12A6 (solute carrier family 12 member 6; minus strand). Cytogenetic location: 15q14.
Variant type: single nucleotide variant.
Coding change: c.3400C>T on transcript NM_001365088.1 (MANE Select); coding-DNA position 3400, C replaced by T.
Protein change: p.Arg1134Ter; replaces arginine 1134 with a stop codon.
Molecular consequence: nonsense.
Genome position (GRCh38, 1-based): chr15:34,233,934, G>A on the plus strand (C>T on the coding strand, the complement: SLC12A6 is on the minus strand). VCF-style: chr15-34233934-G-A. GRCh37 (hg19) VCF-style: chr15-34526135-G-A.
Other names: c.3223C>T, p.Arg1075Ter (NM_001042494.2, NM_001042495.2); c.3373C>T, p.Arg1125Ter (NM_001042496.2); c.3355C>T, p.Arg1119Ter (NM_001042497.2); c.3247C>T, p.Arg1083Ter (NM_005135.2); c.3400C>T, p.Arg1134Ter (NM_133647.2); short protein forms R1134*, R1083*, R1075*, R1119*, R1125*.
Identifiers: ClinVar variation 30440 (VCV000030440.6), dbSNP rs606231229, ClinGen allele CA259813.
Genomic context (GRCh38, chr15:34,233,934, plus strand): 5'-GAGTAGGTTATGAATAAATGGTGATCACTTCACTGCCACCACCCCGGACAAGTAGGACTC[G>A]CTCTAGTCCCTCGGTAAGCACCTCTAGGAACTCCATGTCTTCAAAACTTGTCAAGGAGAC-3'